The following is an entry in ClinVar:

NM_001330260.2(SCN8A):c.5333A>G (p.Asp1778Gly)

Gene: SCN8A (sodium voltage-gated channel alpha subunit 8; plus strand). Cytogenetic location: 12q13.13.
Variant type: single nucleotide variant.
Coding change: c.5333A>G on transcript NM_001330260.2 (MANE Select); coding-DNA position 5333, A replaced by G.
Protein change: p.Asp1778Gly; replaces aspartic acid 1778 with glycine.
Molecular consequence: missense variant.
Genome position (GRCh38, 1-based): chr12:51,806,819, A>G. VCF-style: chr12-51806819-A-G. GRCh37 (hg19) VCF-style: chr12-52200603-A-G.
Other names: c.5210A>G, p.Asp1737Gly (NM_001177984.3, NM_001369788.1); c.5333A>G, p.Asp1778Gly (NM_014191.4); short protein forms D1737G, D1778G.
Identifiers: ClinVar variation 973303 (VCV000973303.4), dbSNP rs1938714598, ClinGen allele CA384885376.

ClinVar aggregate classification (germline): Likely pathogenic (1 of 4 stars; one submission).

Conditions:
Developmental and epileptic encephalopathy, 13 (DEE13). Also called: Early infantile epileptic encephalopathy 13; SCN8A-Related Epilepsy; Developmental and Epileptic Encephalopathy (SCN8A-DEE). Identifiers: Orphanet 442835, MedGen C3281191, MONDO:0013801, OMIM 614558.

Submission:

Illumina Laboratory Services, Illumina
Classification: Likely pathogenic for SCN8A-related epilepsy with encephalopathy. Last evaluated: 2019-10-16. Review status: criteria provided, single submitter. Criteria: ICSLVariantClassificationCriteria RUGD 01 April 2020. Collection method: clinical testing. Allele origin: unknown.
Comment: The SCN8A c.5333A>G (p.Asp1778Gly) variant is a missense variant. A literature search was performed for the gene, cDNA change, and amino acid change. No publications were found based on this search. This variant is not found in the Genome Aggregation Database in a region of good sequencing coverage, so the variant is presumed to be rare. The Asp1778 residue is located in the C-terminal cytoplasmic tail of the protein. Based on absence from public frequency databases, identification in a de novo state, and a low rate of benign missense variation in the SCN8A gene, the p.Asp1778Gly variant is classified as likely pathogenic for SCN8A-related epilepsy with encephalopathy.